The following is an entry in ClinVar:

NM_000553.6(WRN):c.3611T>C (p.Val1204Ala)

Gene: WRN (WRN RecQ like helicase; plus strand). Cytogenetic location: 8p12.
Variant type: single nucleotide variant.
Coding change: c.3611T>C on transcript NM_000553.6 (MANE Select); coding-DNA position 3611, T replaced by C.
Protein change: p.Val1204Ala; replaces valine 1204 with alanine.
Molecular consequence: missense variant.
Genome position (GRCh38, 1-based): chr8:31,150,379, T>C. VCF-style: chr8-31150379-T-C. GRCh37 (hg19) VCF-style: chr8-31007895-T-C.
Other names: short protein forms V1204A.
Identifiers: ClinVar variation 2808479 (VCV002808479.3), dbSNP rs2536049555, ClinGen allele CA370927600.

ClinVar aggregate classification (germline): Uncertain significance (1 of 4 stars; one submission).

Conditions:
Werner syndrome (WRN). Identifiers: Orphanet 902, MedGen C0043119, MONDO:0010196, OMIM 277700.

Submission:

Labcorp Genetics (formerly Invitae), Labcorp
Classification: Uncertain significance for Werner syndrome. Last evaluated: 2022-10-13. Review status: criteria provided, single submitter. Criteria: Invitae Variant Classification Sherloc (09022015). Collection method: clinical testing. Allele origin: germline.
Comment: In summary, the available evidence is currently insufficient to determine the role of this variant in disease. Therefore, it has been classified as a Variant of Uncertain Significance. Algorithms developed to predict the effect of missense changes on protein structure and function are either unavailable or do not agree on the potential impact of this missense change (SIFT: "Not Available"; PolyPhen-2: "Probably Damaging"; Align-GVGD: "Not Available"). This variant has not been reported in the literature in individuals affected with WRN-related conditions. This variant is not present in population databases (gnomAD no frequency). This sequence change replaces valine, which is neutral and non-polar, with alanine, which is neutral and non-polar, at codon 1204 of the WRN protein (p.Val1204Ala).